The following is an entry in ClinVar:

NM_006946.4(SPTBN2):c.3447C>A (p.Ala1149=)

Gene: SPTBN2 (spectrin beta, non-erythrocytic 2; minus strand). Cytogenetic location: 11q13.2.
Variant type: single nucleotide variant.
Coding change: c.3447C>A on transcript NM_006946.4 (MANE Select); coding-DNA position 3447, C replaced by A.
Protein change: p.Ala1149=; no amino-acid change (alanine 1149 retained).
Molecular consequence: synonymous variant.
Genome position (GRCh38, 1-based): chr11:66,700,652, G>T on the plus strand (C>A on the coding strand, the complement: SPTBN2 is on the minus strand). VCF-style: chr11-66700652-G-T. GRCh37 (hg19) VCF-style: chr11-66468123-G-T.
Other names: c.3468C>A, p.Ala1156= (NM_001411025.1); c.3447C>A, p.Ala1149= (NM_001437541.1).
Identifiers: ClinVar variation 4872560 (VCV004872560.2).
Genomic context (GRCh38, chr11:66,700,652, plus strand): 5'-GGCCAGGCGACCTTGCCGGCTCTCCCACATTCGGCCCAGCTCCTCCCAGCCAGTTCCCAG[G>T]GCCTCCAGTCGCTGTCGTAGGAAGAGGCACTGGGGGTCAGCCTGGTCCCGGGTCACCTCC-3'
Protein context (NP_008877.2, residues 1139-1159): QCLFLRQRLE[Ala1149=]LGTGWEELGR

ClinVar aggregate classification (germline): Likely benign (1 of 4 stars; one submission).

Submission:

CeGaT Center for Human Genetics Tuebingen
Classification: Likely benign. Last evaluated: 2026-04-01. Review status: criteria provided, single submitter. Criteria: CeGaT Center For Human Genetics Tuebingen Variant Classification Criteria Version 2. Collection method: clinical testing. Allele origin: germline. Affected: yes. Observed: 1 variant allele.
Comment: SPTBN2: PM2:Supporting, BP4, BP7